The following is an entry in ClinVar:

ClinVar aggregate classification (germline): Uncertain significance. Review status: criteria provided, multiple submitters, no conflicts (2 of 4 stars). 2 submissions from 2 submitters: Uncertain significance (2). Last evaluated 2023-09-05.

Conditions:
Juvenile polyposis syndrome (JPS). Identifiers: Orphanet 2929, MedGen C0345893, MONDO:0017380, OMIM 174900.

Submissions (2):

Labcorp Genetics (formerly Invitae), Labcorp
Classification: Uncertain significance for Juvenile polyposis syndrome. Last evaluated: 2023-09-05. Review status: criteria provided, single submitter. Criteria: Invitae Variant Classification Sherloc (09022015). Collection method: clinical testing. Allele origin: germline.
Comment: This sequence change replaces proline, which is neutral and non-polar, with alanine, which is neutral and non-polar, at codon 318 of the SMAD4 protein (p.Pro318Ala). In summary, the available evidence is currently insufficient to determine the role of this variant in disease. Therefore, it has been classified as a Variant of Uncertain Significance. Advanced modeling of protein sequence and biophysical properties (such as structural, functional, and spatial information, amino acid conservation, physicochemical variation, residue mobility, and thermodynamic stability) has been performed at Invitae for this missense variant, however the output from this modeling did not meet the statistical confidence thresholds required to predict the impact of this variant on SMAD4 protein function. ClinVar contains an entry for this variant (Variation ID: 856446). This variant has not been reported in the literature in individuals affected with SMAD4-related conditions. This variant is not present in population databases (gnomAD no frequency).

Mayo Clinic Laboratories, Mayo Clinic
Classification: Uncertain significance. Last evaluated: 2021-03-12. Review status: criteria provided, single submitter. Criteria: ACMG Guidelines, 2015. Collection method: clinical testing. Allele origin: germline.

NM_005359.6(SMAD4):c.952C>G (p.Pro318Ala)

Gene: SMAD4 (SMAD family member 4; plus strand). Cytogenetic location: 18q21.2.
Variant type: single nucleotide variant.
Coding change: c.952C>G on transcript NM_005359.6 (MANE Select); coding-DNA position 952, C replaced by G.
Protein change: p.Pro318Ala; replaces proline 318 with alanine.
Molecular consequence: missense variant.
Genome position (GRCh38, 1-based): chr18:51,059,913, C>G. VCF-style: chr18-51059913-C-G. GRCh37 (hg19) VCF-style: chr18-48586283-C-G.
Other names: short protein forms P318A.
Identifiers: ClinVar variation 856446 (VCV000856446.15), dbSNP rs1909960667, ClinGen allele CA402463766.
Genomic context (GRCh38, chr18:51,059,913, plus strand): 5'-GTCTTTTCTTTAGGGCCTGTTCACAATGAGCTTGCATTCCAGCCTCCCATTTCCAATCAT[C>G]CTGGTAAGTGTATTTCAAAATTGATTTCCTGTATTTAGATTGATTTAGTGGTGATTGAAA-3'
Protein context (NP_005350.1, residues 308-328): LAFQPPISNH[Pro318Ala]APEYWCSIAY